The following is an entry in ClinVar:

NM_000875.5(IGF1R):c.2374A>G (p.Asn792Asp)

Gene: IGF1R (insulin like growth factor 1 receptor; plus strand). Cytogenetic location: 15q26.3.
Variant type: single nucleotide variant.
Coding change: c.2374A>G on transcript NM_000875.5 (MANE Select); coding-DNA position 2374, A replaced by G.
Protein change: p.Asn792Asp; replaces asparagine 792 with aspartic acid.
Molecular consequence: missense variant.
Genome position (GRCh38, 1-based): chr15:98,922,320, A>G. VCF-style: chr15-98922320-A-G. GRCh37 (hg19) VCF-style: chr15-99465549-A-G.
Other names: c.2374A>G, p.Asn792Asp (NM_001291858.2); short protein forms N792D.
Identifiers: ClinVar variation 2877270 (VCV002877270.3), dbSNP rs2506034402, ClinGen allele CA393681104.
Genomic context (GRCh38, chr15:98,922,320, plus strand): 5'-GAGACAGAGTACCCTTTCTTTGAGAGCAGAGTGGATAACAAGGAGAGAACTGTCATTTCT[A>G]ACCTTCGGCCTTTCACATTGTACCGCATCGATATCCACAGCTGCAACCACGAGGCTGAGA-3'
Protein context (NP_000866.1, residues 782-802): VDNKERTVIS[Asn792Asp]LRPFTLYRID

ClinVar aggregate classification (germline): Uncertain significance (1 of 4 stars; one submission).

gnomAD v4.1: 2 of 1,614,146 alleles (0.00012%); no homozygotes.

Submission:

Labcorp Genetics (formerly Invitae), Labcorp
Classification: Uncertain significance. Last evaluated: 2023-03-09. Review status: criteria provided, single submitter. Criteria: Invitae Variant Classification Sherloc (09022015). Collection method: clinical testing. Allele origin: germline.
Comment: This sequence change replaces asparagine, which is neutral and polar, with aspartic acid, which is acidic and polar, at codon 792 of the IGF1R protein (p.Asn792Asp). This variant is not present in population databases (gnomAD no frequency). This variant has not been reported in the literature in individuals affected with IGF1R-related conditions. Advanced modeling of protein sequence and biophysical properties (such as structural, functional, and spatial information, amino acid conservation, physicochemical variation, residue mobility, and thermodynamic stability) performed at Invitae indicates that this missense variant is not expected to disrupt IGF1R protein function. In summary, the available evidence is currently insufficient to determine the role of this variant in disease. Therefore, it has been classified as a Variant of Uncertain Significance.